The following is an entry in ClinVar:

ClinVar aggregate classification (germline): Uncertain significance (1 of 4 stars; one submission).

Conditions:
Inborn genetic diseases. Identifiers: MedGen C0950123, MeSH D030342.

Submission:

Ambry Genetics
Classification: Uncertain significance for Inborn genetic diseases. Last evaluated: 2025-04-06. Review status: criteria provided, single submitter. Criteria: Ambry Variant Classification Scheme 2023. Collection method: clinical testing. Allele origin: germline.
Comment: The p.Q33R variant (also known as c.98A>G), located in coding exon 2 of the ASXL1 gene, results from an A to G substitution at nucleotide position 98. The glutamine at codon 33 is replaced by arginine, an amino acid with highly similar properties. This amino acid position is conserved. In addition, the in silico prediction for this alteration is inconclusive. Based on the available evidence, the clinical significance of this variant remains unclear.

NM_015338.6(ASXL1):c.98A>G (p.Gln33Arg)

Gene: ASXL1 (ASXL transcriptional regulator 1; plus strand). Cytogenetic location: 20q11.21.
Variant type: single nucleotide variant.
Coding change: c.98A>G on transcript NM_015338.6 (MANE Select); coding-DNA position 98, A replaced by G.
Protein change: p.Gln33Arg; replaces glutamine 33 with arginine.
Molecular consequence: missense variant.
Genome position (GRCh38, 1-based): chr20:32,366,424, A>G. VCF-style: chr20-32366424-A-G. GRCh37 (hg19) VCF-style: chr20-30954227-A-G.
Other names: c.98A>G, p.Gln33Arg (NM_001164603.1); c.68A>G, p.Gln23Arg (NM_001363734.1); short protein forms Q23R, Q33R.
Identifiers: ClinVar variation 3955867 (VCV003955867.1).